The following is an entry in ClinVar:

NM_001330078.2(NRXN1):c.4130C>A (p.Thr1377Asn)

Gene: NRXN1 (neurexin 1; minus strand). Cytogenetic location: 2p16.3.
Variant type: single nucleotide variant.
Coding change: c.4130C>A on transcript NM_001330078.2 (MANE Select); coding-DNA position 4130, C replaced by A.
Protein change: p.Thr1377Asn; replaces threonine 1377 with asparagine.
Molecular consequence: missense variant.
Genome position (GRCh38, 1-based): chr2:49,943,790, G>T on the plus strand (C>A on the coding strand, the complement: NRXN1 is on the minus strand). VCF-style: chr2-49943790-G-T. GRCh37 (hg19) VCF-style: chr2-50170928-G-T.
Other names: c.4250C>A, p.Thr1417Asn (NM_001135659.3); c.35C>A, p.Thr12Asn (NM_001320156.4, NM_001320157.4); c.4106C>A, p.Thr1369Asn (NM_001330077.2, NM_001330082.2); c.3974C>A, p.Thr1325Asn (NM_001330083.2); c.4064C>A, p.Thr1355Asn (NM_001330084.2); c.4103C>A, p.Thr1368Asn (NM_001330085.2); c.4130C>A, p.Thr1377Asn (NM_001330086.2); c.3929C>A, p.Thr1310Asn (NM_001330087.2, NM_001330096.2); and 7 more; short protein forms T12N, T1310N, T1320N, T1325N, T1330N, T1347N, T1355N, T1368N.
Identifiers: ClinVar variation 1204717 (VCV001204717.10), dbSNP rs747424290, ClinGen allele CA346818128.

ClinVar aggregate classification (germline): Uncertain significance. Review status: criteria provided, multiple submitters, no conflicts (2 of 4 stars). 3 submissions from 3 submitters: Uncertain significance (3). Last evaluated 2025-12-11.

Conditions:
Inborn genetic diseases. Identifiers: MedGen C0950123, MeSH D030342.
Pitt-Hopkins-like syndrome 2 (PTHSL2). Identifiers: Orphanet 221150, Orphanet 600663, MedGen C3280479, MONDO:0013690, OMIM 614325.

Allele frequency attached by ClinVar (database versions not stated): TOPMed 0.00001.
gnomAD v4.1: 3 of 1,606,846 alleles (0.00019%); highest among the groups gnomAD compares: East Asian, 0.0022%; no homozygotes.

Submissions (3):

Ambry Genetics
Classification: Uncertain significance for Inborn genetic diseases. Last evaluated: 2025-12-11. Review status: criteria provided, single submitter. Criteria: Ambry Variant Classification Scheme 2023. Collection method: clinical testing. Allele origin: germline.

Labcorp Genetics (formerly Invitae), Labcorp
Classification: Uncertain significance for Pitt-Hopkins-like syndrome 2. Last evaluated: 2025-06-19. Review status: criteria provided, single submitter. Criteria: Invitae Variant Classification Sherloc (09022015). Collection method: clinical testing. Allele origin: germline.
Comment: This sequence change replaces threonine, which is neutral and polar, with asparagine, which is neutral and polar, at codon 1417 of the NRXN1 protein (p.Thr1417Asn). This variant is present in population databases (no rsID available, gnomAD 0.006%). This variant has not been reported in the literature in individuals affected with NRXN1-related conditions. ClinVar contains an entry for this variant (Variation ID: 1204717). An algorithm developed to predict the effect of missense changes on protein structure and function (PolyPhen-2) suggests that this variant is likely to be tolerated. In summary, the available evidence is currently insufficient to determine the role of this variant in disease. Therefore, it has been classified as a Variant of Uncertain Significance.

GeneDx
Classification: Uncertain significance. Last evaluated: 2024-06-18. Review status: criteria provided, single submitter. Criteria: GeneDx Variant Classification Process June 2021. Collection method: clinical testing. Allele origin: germline. Affected: yes.
Comment: Not observed at significant frequency in large population cohorts (gnomAD); In silico analysis supports that this missense variant has a deleterious effect on protein structure/function; Has not been previously published as pathogenic or benign to our knowledge